The following is an entry in ClinVar:

NM_017763.6(RNF43):c.1319C>T (p.Pro440Leu)

Gene: RNF43 (ring finger protein 43; minus strand). Cytogenetic location: 17q22.
Variant type: single nucleotide variant.
Coding change: c.1319C>T on transcript NM_017763.6 (MANE Select); coding-DNA position 1319, C replaced by T.
Protein change: p.Pro440Leu; replaces proline 440 with leucine.
Molecular consequence: missense variant.
Genome position (GRCh38, 1-based): chr17:58,358,457, G>A on the plus strand (C>T on the coding strand, the complement: RNF43 is on the minus strand). VCF-style: chr17-58358457-G-A. GRCh37 (hg19) VCF-style: chr17-56435818-G-A.
Other names: c.1319C>T, p.Pro440Leu (NM_001305544.3, NM_001438820.1, NM_001438821.1 and 1 more transcripts); c.938C>T, p.Pro313Leu (NM_001305545.2, NM_001437987.1); short protein forms P313L, P440L.
Identifiers: ClinVar variation 4765502 (VCV004765502.1).

ClinVar aggregate classification (germline): Uncertain significance (1 of 4 stars; one submission).

Submission:

Labcorp Genetics (formerly Invitae), Labcorp
Classification: Uncertain significance. Last evaluated: 2025-06-06. Review status: criteria provided, single submitter. Criteria: Invitae Variant Classification Sherloc (09022015). Collection method: clinical testing. Allele origin: germline.
Comment: This sequence change replaces proline, which is neutral and non-polar, with leucine, which is neutral and non-polar, at codon 440 of the RNF43 protein (p.Pro440Leu). This variant is not present in population databases (gnomAD no frequency). This variant has not been reported in the literature in individuals affected with RNF43-related conditions. An algorithm developed to predict the effect of missense changes on protein structure and function (PolyPhen-2) suggests that this variant is likely to be disruptive. In summary, the available evidence is currently insufficient to determine the role of this variant in disease. Therefore, it has been classified as a Variant of Uncertain Significance.